The following is an entry in ClinVar:

NM_001002010.5(NT5C3A):c.139-9034C>T

Gene: NT5C3A (5'-nucleotidase, cytosolic IIIA; minus strand). Cytogenetic location: 7p14.3.
Variant type: single nucleotide variant.
Coding change: c.139-9034C>T on transcript NM_001002010.5 (MANE Select); 9034 bases into the intron before coding-DNA position 139, C replaced by T.
Molecular consequence: intron variant. On other transcripts: synonymous variant (3), 5 prime UTR variant (3).
Genome position (GRCh38, 1-based): chr7:33,035,949, G>A on the plus strand (C>T on the coding strand, the complement: NT5C3A is on the minus strand). VCF-style: chr7-33035949-G-A. GRCh37 (hg19) VCF-style: chr7-33075561-G-A.
Other names: c.21C>T, p.Ala7= (NM_001002009.3, NM_001374339.1, NM_016489.14); c.-102C>T (NM_001166118.3); c.-97C>T (NM_001356996.3, NM_001374336.1); c.139-11841C>T (NM_001374335.1); c.139-9034C>T (NM_001374338.1); c.-1+4923C>T (NM_001374337.1).
Identifiers: ClinVar variation 2074849 (VCV002074849.29), dbSNP rs372766768, ClinGen allele CA4213561.
Genomic context (GRCh38, chr7:33,035,949, plus strand): 5'-AGATTTACCATTAATAAATGGAACTGGAAATAGGCAAATACCCACCATTTTCACATGTAC[G>A]GCAGACTCTTGATTAGTCATTTCTTGGTTATCCAATCTTCTGGATTTTCCCAGGTGATGT-3'

ClinVar aggregate classification (germline): Likely benign. Review status: criteria provided, multiple submitters, no conflicts (2 of 4 stars). 3 submissions from 3 submitters: Likely benign (3). Last evaluated 2026-01-12.

Allele frequency attached by ClinVar (database versions not stated): TOPMed 0.00002; gnomAD 0.00003; ExAC 0.00006; ESP Exome Variant Server 0.00008.
gnomAD v4.1: 60 of 1,612,942 alleles (0.0037%); highest among the groups gnomAD compares: Non-Finnish European, 0.0044%; no homozygotes.

Submissions (3):

Labcorp Genetics (formerly Invitae), Labcorp
Classification: Likely benign. Last evaluated: 2026-01-12. Review status: criteria provided, single submitter. Criteria: Invitae Variant Classification Sherloc (09022015). Collection method: clinical testing. Allele origin: germline.

Blueprint Genetics
Classification: Likely benign. Last evaluated: 2024-11-08. Review status: criteria provided, single submitter. Criteria: ACMG Guidelines, 2015. Collection method: clinical testing. Allele origin: germline.

CeGaT Center for Human Genetics Tuebingen
Classification: Likely benign. Last evaluated: 2024-08-01. Review status: criteria provided, single submitter. Criteria: CeGaT Center For Human Genetics Tuebingen Variant Classification Criteria Version 2. Collection method: clinical testing. Allele origin: germline. Affected: yes. Observed: 3 variant alleles.
Comment: NT5C3A: BP4, BP7